The following is an entry in ClinVar:

ClinVar aggregate classification (germline): Uncertain significance (1 of 4 stars; one submission).

Submission:

GeneDx
Classification: Uncertain significance. Last evaluated: 2023-07-28. Review status: criteria provided, single submitter. Criteria: GeneDx Variant Classification Process June 2021. Collection method: clinical testing. Allele origin: germline. Affected: yes.
Comment: Not observed at significant frequency in large population cohorts (gnomAD); In silico analysis supports that this missense variant has a deleterious effect on protein structure/function; In silico analysis is inconclusive as to whether the variant alters gene splicing. In the absence of RNA/functional studies, the actual effect of this sequence change is unknown.; Has not been previously published as pathogenic or benign to our knowledge

NM_001372044.2(SHANK3):c.4439T>C (p.Phe1480Ser)

Gene: SHANK3 (SH3 and multiple ankyrin repeat domains 3; plus strand). Cytogenetic location: 22q13.33.
Variant type: single nucleotide variant.
Coding change: c.4439T>C on transcript NM_001372044.2 (MANE Select); coding-DNA position 4439, T replaced by C.
Protein change: p.Phe1480Ser; replaces phenylalanine 1480 with serine.
Molecular consequence: missense variant.
Genome position (GRCh38, 1-based): chr22:50,722,047, T>C. VCF-style: chr22-50722047-T-C. GRCh37 (hg19) VCF-style: chr22-51160475-T-C.
Other names: c.4214T>C (NM_033517.1); short protein forms F1480S.
Identifiers: ClinVar variation 3361500 (VCV003361500.1).